The following is an entry in ClinVar:

ClinVar aggregate classification (germline): Uncertain significance. Review status: criteria provided, multiple submitters, no conflicts (2 of 4 stars). 5 submissions from 5 submitters: Uncertain significance (4). 1 of the submissions does not count toward it. Last evaluated 2024-05-28.

Conditions:
Hereditary cancer-predisposing syndrome. Also called: Neoplastic Syndromes, Hereditary; Hereditary Cancer Syndrome; Hereditary neoplastic syndrome; Tumor predisposition. Identifiers: Orphanet 140162, MedGen C0027672, MeSH D009386, MONDO:0015356.
Aplastic anemia. Identifiers: Orphanet 182040, Orphanet 88, MedGen C0002874, MONDO:0015909, OMIM 609135, HP:0001915.
Microcephaly, normal intelligence and immunodeficiency (NBS). Also called: Nijmegen breakage syndrome; Microcephaly with normal intelligence immunodeficiency and lymphoreticular malignancies; Nonsyndromal microcephaly autosomal recessive with normal intelligence; Seemanova syndrome 2; Ataxia telangiectasia variant V1; BERLIN BREAKAGE SYNDROME. Identifiers: Orphanet 647, MedGen C0398791, MONDO:0009623, OMIM 251260.

Allele frequency attached by ClinVar (database versions not stated): TOPMed below 0.00001; gnomAD exomes below 0.00001.
gnomAD v4.1: 2 of 1,605,926 alleles (0.00012%); highest among the groups gnomAD compares: Non-Finnish European, 0.00017%; no homozygotes.

Submissions (5):

Ambry Genetics
Classification: Uncertain significance for Hereditary cancer-predisposing syndrome. Last evaluated: 2024-05-28. Review status: criteria provided, single submitter. Criteria: Ambry Variant Classification Scheme 2023. Collection method: clinical testing. Allele origin: germline.
Comment: The p.Q189E variant (also known as c.565C>G), located in coding exon 5 of the NBN gene, results from a C to G substitution at nucleotide position 565. The glutamine at codon 189 is replaced by glutamic acid, an amino acid with highly similar properties. This alteration was detected in a child with glioblastoma (Piekutowska-Abramczuk D et al. J. Neurooncol., 2010 Jan;96:161-8). This amino acid position is not well conserved in available vertebrate species. In addition, this alteration is predicted to be tolerated by in silico analysis. Since supporting evidence is limited at this time, the clinical significance of this alteration remains unclear.

Baylor Genetics
Classification: Uncertain significance for Aplastic anemia. Last evaluated: 2024-02-22. Review status: criteria provided, single submitter. Criteria: ACMG Guidelines, 2015. Collection method: clinical testing. Allele origin: unknown.

Labcorp Genetics (formerly Invitae), Labcorp
Classification: Uncertain significance for Microcephaly, normal intelligence and immunodeficiency. Last evaluated: 2023-05-15. Review status: criteria provided, single submitter. Criteria: Invitae Variant Classification Sherloc (09022015). Collection method: clinical testing. Allele origin: germline.
Comment: This sequence change replaces glutamine, which is neutral and polar, with glutamic acid, which is acidic and polar, at codon 189 of the NBN protein (p.Gln189Glu). In summary, the available evidence is currently insufficient to determine the role of this variant in disease. Therefore, it has been classified as a Variant of Uncertain Significance. Algorithms developed to predict the effect of missense changes on protein structure and function output the following: SIFT: "Not Available"; PolyPhen-2: "Benign"; Align-GVGD: "Not Available". The glutamic acid amino acid residue is found in multiple mammalian species, which suggests that this missense change does not adversely affect protein function. ClinVar contains an entry for this variant (Variation ID: 825880). This missense change has been observed in individual(s) with glioblastoma (PMID: 19629396). This variant is not present in population databases (gnomAD no frequency).

Genome-Nilou Lab
Classification: Uncertain significance for Microcephaly, normal intelligence and immunodeficiency. Last evaluated: 2021-11-07. Review status: criteria provided, single submitter. Criteria: ACMG Guidelines, 2015. Collection method: clinical testing. Allele origin: germline. Affected: no.

Natera, Inc.
Classification: Uncertain significance for Nijmegen breakage syndrome. Last evaluated: 2020-11-11. Review status: no assertion criteria provided. Collection method: clinical testing. Allele origin: germline. Not counted in ClinVar's aggregate classification.

Literature cited by the submitters: PubMed 19629396 (cited by Ambry Genetics and Labcorp Genetics (formerly Invitae), Labcorp).

NM_002485.5(NBN):c.565C>G (p.Gln189Glu)

Gene: NBN (nibrin; minus strand). Cytogenetic location: 8q21.3.
Variant type: single nucleotide variant.
Coding change: c.565C>G on transcript NM_002485.5 (MANE Select); coding-DNA position 565, C replaced by G.
Protein change: p.Gln189Glu; replaces glutamine 189 with glutamic acid.
Molecular consequence: missense variant.
Genome position (GRCh38, 1-based): chr8:89,978,239, G>C on the plus strand (C>G on the coding strand, the complement: NBN is on the minus strand). VCF-style: chr8-89978239-G-C. GRCh37 (hg19) VCF-style: chr8-90990467-G-C.
Other names: c.319C>G, p.Gln107Glu (NM_001024688.3); short protein forms Q189E, Q107E.
Identifiers: ClinVar variation 825880 (VCV000825880.20), dbSNP rs1198614767, ClinGen allele CA371660149.